The following is an entry in ClinVar:

ClinVar aggregate classification (germline): Pathogenic. Review status: criteria provided, multiple submitters, no conflicts (2 of 4 stars). 7 submissions from 7 submitters: Pathogenic (7). Last evaluated 2025-12-22.

Conditions:
Mitochondrial complex II deficiency, nuclear type 1. Also called: SUCCINATE CoQ REDUCTASE DEFICIENCY. Identifiers: Orphanet 3208, MedGen C5700310, MONDO:0100294, OMIM 252011.
Pheochromocytoma/paraganglioma syndrome 5. Also called: Paragangliomas 5; SDHA-Related Hereditary Paraganglioma-Pheochromocytoma Syndrome. Identifiers: Orphanet 29072, MedGen C3279992, MONDO:0013602, OMIM 614165.
Hereditary cancer-predisposing syndrome. Also called: Neoplastic Syndromes, Hereditary; Hereditary Cancer Syndrome; Hereditary neoplastic syndrome; Tumor predisposition. Identifiers: Orphanet 140162, MedGen C0027672, MeSH D009386, MONDO:0015356.
Dilated cardiomyopathy 1GG (CMD1GG). Identifiers: Orphanet 154, MedGen C3150898, MONDO:0013339, OMIM 613642.

Allele frequency attached by ClinVar (database versions not stated): gnomAD exomes 0.00001; ExAC 0.00002.

Submissions (7):

Labcorp Genetics (formerly Invitae), Labcorp
Classification: Pathogenic for Pheochromocytoma/paraganglioma syndrome 5; Mitochondrial complex II deficiency, nuclear type 1. Last evaluated: 2025-12-22. Review status: criteria provided, single submitter. Criteria: Invitae Variant Classification Sherloc (09022015). Collection method: clinical testing. Allele origin: germline.
Comment: This sequence change creates a premature translational stop signal (p.Gln185*) in the SDHA gene. It is expected to result in an absent or disrupted protein product. Loss-of-function variants in SDHA are known to be pathogenic (PMID: 22974104, 24781757). This variant is present in population databases (rs775827529, gnomAD 0.002%). This premature translational stop signal has been observed in individual(s) with a gastrointestinal stromal tumor (PMID: 22955521). ClinVar contains an entry for this variant (Variation ID: 480771). RNA analysis performed to evaluate the impact of this premature translational stop signal on mRNA splicing indicates it does not significantly alter splicing (internal data). For these reasons, this variant has been classified as Pathogenic.

Ambry Genetics
Classification: Pathogenic for Hereditary cancer-predisposing syndrome. Last evaluated: 2025-12-02. Review status: criteria provided, single submitter. Criteria: Ambry Variant Classification Scheme 2023. Collection method: clinical testing. Allele origin: germline.
Comment: The p.Q185* pathogenic mutation (also known as c.553C>T), located in coding exon 5 of the SDHA gene, results from a C to T substitution at nucleotide position 553. This changes the amino acid from a glutamine to a stop codon within coding exon 5. This variant was reported in individuals with features consistent with SDHA-related hereditary pheochromocytoma-paraganglioma (Wagner AJ et al. Mod. Pathol. 2013 Feb;26:289-94; Ambry internal data). This variant is considered to be rare based on population cohorts in the Genome Aggregation Database (gnomAD). This alteration is expected to result in loss of function by premature protein truncation or nonsense-mediated mRNA decay. As such, this alteration is interpreted as a disease-causing mutation.

Myriad Genetics, Inc.
Classification: Pathogenic for Pheochromocytoma/paraganglioma syndrome 5. Last evaluated: 2024-02-07. Review status: criteria provided, single submitter. Criteria: Myriad Autosomal Dominant, Autosomal Recessive and X-Linked Classification Criteria (2023). Collection method: clinical testing. Allele origin: unknown.
Comment: This variant is considered pathogenic. This variant creates a termination codon and is predicted to result in premature protein truncation.

ARUP Laboratories, Molecular Genetics and Genomics, ARUP Laboratories
Classification: Pathogenic. Last evaluated: 2023-09-06. Review status: criteria provided, single submitter. Criteria: ARUP Molecular Germline Variant Investigation Process 2024. Collection method: clinical testing. Allele origin: germline.
Comment: The SDHA c.553C>T; p.Gln185Ter variant (rs775827529) is reported in the literature in at least four individuals affected with either gastrointestinal stromal tumor (GIST), stomach adenocarcinoma, pancreatic cancer or paraganglioma (Ben Aim 2019, Lu 2015, Puccini 2022, Wagner 2013). This variant is also reported in ClinVar (Variation ID: 480771). This variant is only observed on two alleles in the Genome Aggregation Database, indicating it is not a common polymorphism. This variant induces an early termination codon and is predicted to result in a truncated protein or mRNA subject to nonsense-mediated decay. Additionally, several downstream truncating variants have been described in individuals with GIST and are considered pathogenic (Pantaleo 2022). Based on available information, this variant is considered to be pathogenic. References: Ben Aim L et al. Targeted next-generation sequencing detects rare genetic events in pheochromocytoma and paraganglioma. J Med Genet. 2019 Aug;56(8):513-520. PMID: 30877234. Lu C et al. Patterns and functional implications of rare germline variants across 12 cancer types. Nat Commun. 2015 Dec 22;6:10086. PMID: 26689913. Puccini A et al. Clinical Significance of Germline Pathogenic Variants among 51 Cancer Predisposition Genes in an Unselected Cohort of Italian Pancreatic Cancer Patients. Cancers (Basel). 2022 Sep 13;14(18):4447. PMID: 36139606. Wagner AJ et al. Loss of expression of SDHA predicts SDHA mutations in gastrointestinal stromal tumors. Mod Pathol. 2013 Feb;26(2):289-94. PMID: 22955521.

Baylor Genetics
Classification: Pathogenic for Dilated cardiomyopathy 1GG. Last evaluated: 2023-03-21. Review status: criteria provided, single submitter. Criteria: ACMG Guidelines, 2015. Collection method: clinical testing. Allele origin: unknown.

GeneDx
Classification: Pathogenic. Last evaluated: 2022-10-12. Review status: criteria provided, single submitter. Criteria: GeneDx Variant Classification Process June 2021. Collection method: clinical testing. Allele origin: germline. Affected: yes.
Comment: Nonsense variant predicted to result in protein truncation or nonsense mediated decay in a gene for which loss of function is a known mechanism of disease; Not observed at significant frequency in large population cohorts (gnomAD); This variant is associated with the following publications: (PMID: 22955521, 30877234, 26689913, 29625052)

Sema4
Classification: Pathogenic for Hereditary cancer-predisposing syndrome. Last evaluated: 2022-02-16. Review status: criteria provided, single submitter. Criteria: Sema4 Curation Guidelines. Collection method: curation. Allele origin: germline.
Comment: The SDHA c.553C>T (p.Q185X) variant has been reported in heterozygosity in at least two individuals with gastrointestinal stromal tumors and at least one individual with paraganglioma (PMID: 22955521, 29625052, 30877234). Tumors found in these patients showed loss of SDHA protein expression (PMID: 30877234, 22955521). This nonsense variant creates a premature stop codon at residue 185 of the SDHA protein. At this location, nonsense-mediated decay is predicted to occur, resulting in a loss of gene function. Loss-of-function variants in SDHA are known to be pathogenic (PMID: 22974104, 24781757). This variant was observed in 2/113762 chromosomes in the Non-Finnish European population according to the Genome Aggregation Database (PMID: 32461654). The variant has been reported in ClinVar (Variation ID: 480771). Based on the current evidence available, this variant is interpreted as pathogenic.

Literature cited by the submitters: PubMed 22974104 (cited by Labcorp Genetics (formerly Invitae), Labcorp and Sema4); PubMed 24781757 (cited by Labcorp Genetics (formerly Invitae), Labcorp and Sema4); PubMed 22955521 (cited by 3 submitters); PubMed 29625052 (cited by Sema4); PubMed 30877234 (cited by Sema4).

NM_004168.4(SDHA):c.553C>T (p.Gln185Ter)

Gene: SDHA (succinate dehydrogenase complex flavoprotein subunit A; plus strand). Cytogenetic location: 5p15.33.
Variant type: single nucleotide variant.
Coding change: c.553C>T on transcript NM_004168.4 (MANE Select); coding-DNA position 553, C replaced by T.
Protein change: p.Gln185Ter; replaces glutamine 185 with a stop codon.
Molecular consequence: nonsense.
Genome position (GRCh38, 1-based): chr5:225,979, C>T. VCF-style: chr5-225979-C-T. GRCh37 (hg19) VCF-style: chr5-226094-C-T.
Other names: c.409C>T, p.Gln137Ter (NM_001294332.2); c.553C>T, p.Gln185Ter (NM_001330758.2); short protein forms Q185*, Q137*.
Identifiers: ClinVar variation 480771 (VCV000480771.19), dbSNP rs775827529, ClinGen allele CA3172876.